The following is an entry in ClinVar:

Single allele

Genes: AATF (apoptosis antagonizing transcription factor; plus strand), ACACA (acetyl-CoA carboxylase alpha; minus strand), C17orf78 (chromosome 17 open reading frame 78; plus strand), DDX52 (DExD-box helicase 52; minus strand), DHRS11 (dehydrogenase/reductase 11; plus strand) and 31 more. Cytogenetic location: 17q12.
Variant type: Deletion.
Identifiers: ClinVar variation 3775095 (VCV003775095.2).

ClinVar aggregate classification (germline): Pathogenic (1 of 4 stars; one submission).

Conditions:
Chromosome 17q12 deletion syndrome. Identifiers: Orphanet 261265, MedGen C3281138, MONDO:0013797, OMIM 614527.

Submission:

Kasturba Medical College, Manipal, Kasturba Medical College, Manipal, Manipal Academy of Higher Education, Manipal, India
Classification: Pathogenic for Chromosome 17q12 deletion syndrome. Last evaluated: 2026-06-09. Review status: criteria provided, single submitter. Criteria: ACMG/ClinGen CNV Guidelines, 2019. Collection method: research. Allele origin: germline. Inheritance: Autosomal dominant inheritance. Affected: yes. Observed: 1 variant allele, 1 heterozygote.
Comment: This CNV encompasses 22 genes which has four morbid genes including HNF1B, ACACA, ZNHIT3 and PIGW. This CNV encompasses 17q12 recurrent deletion syndrome region (MIM#614527). This CNV is absent in population databases like gnomAD CNVs (v4.1.0) and Database of Genomic Variants (DGV). Individuals with this deletion syndrome have been reported with prenatal onset multicystic dysplastic kidneys and renal cysts (Chen et al., 2024).

Literature cited by the submitters: PubMed 38216274.